The following is an entry in ClinVar:

NM_001378454.1(ALMS1):c.6976A>G (p.Ser2326Gly)

Gene: ALMS1 (ALMS1 centrosome and basal body associated protein; plus strand). Cytogenetic location: 2p13.1.
Variant type: single nucleotide variant.
Coding change: c.6976A>G on transcript NM_001378454.1 (MANE Select); coding-DNA position 6976, A replaced by G.
Protein change: p.Ser2326Gly; replaces serine 2326 with glycine.
Molecular consequence: missense variant.
Genome position (GRCh38, 1-based): chr2:73,453,503, A>G. VCF-style: chr2-73453503-A-G. GRCh37 (hg19) VCF-style: chr2-73680630-A-G.
Other names: c.6973A>G (NM_015120.4); c.6979A>G, p.Ser2327Gly (NM_015120.4); short protein forms S2327G, S2326G.
Identifiers: ClinVar variation 667195 (VCV000667195.9), dbSNP rs560736902, ClinGen allele CA1714159.

ClinVar aggregate classification (germline): Uncertain significance. Review status: criteria provided, multiple submitters, no conflicts (2 of 4 stars). 4 submissions from 4 submitters: Uncertain significance (3). 1 of the submissions does not count toward it. Last evaluated 2025-06-12.

Conditions:
Alstrom syndrome (ALMS). Identifiers: Orphanet 64, MedGen C0268425, MONDO:0008763, OMIM 203800.

Allele frequency attached by ClinVar (database versions not stated): gnomAD 0.00001; gnomAD exomes 0.00001 and 0.00003; ExAC 0.00002; TOPMed 0.00002; 1000 Genomes Project 30x 0.00016; 1000 Genomes Project 0.00020.
gnomAD v4.1: 15 of 1,613,706 alleles (0.00093%); highest among the groups gnomAD compares: East Asian, 0.0089%; no homozygotes.

Submissions (4):

GeneDx
Classification: Uncertain significance. Last evaluated: 2025-06-12. Review status: criteria provided, single submitter. Criteria: GeneDx Variant Classification Process June 2021. Collection method: clinical testing. Allele origin: germline. Affected: yes.
Comment: In silico analysis suggests that this missense variant does not alter protein structure/function; Has not been previously published as pathogenic or benign to our knowledge

Labcorp Genetics (formerly Invitae), Labcorp
Classification: Uncertain significance for Alstrom syndrome. Last evaluated: 2021-10-25. Review status: criteria provided, single submitter. Criteria: Invitae Variant Classification Sherloc (09022015). Collection method: clinical testing. Allele origin: germline.
Comment: This sequence change replaces serine, which is neutral and polar, with glycine, which is neutral and non-polar, at codon 2327 of the ALMS1 protein (p.Ser2327Gly). This variant is present in population databases (rs560736902, gnomAD 0.02%). This variant has not been reported in the literature in individuals affected with ALMS1-related conditions. ClinVar contains an entry for this variant (Variation ID: 667195). Experimental studies and prediction algorithms are not available or were not evaluated, and the functional significance of this variant is currently unknown. In summary, the available evidence is currently insufficient to determine the role of this variant in disease. Therefore, it has been classified as a Variant of Uncertain Significance.

Laboratory for Molecular Medicine, Mass General Brigham Personalized Medicine
Classification: Uncertain significance. Last evaluated: 2019-02-05. Review status: criteria provided, single submitter. Criteria: LMM Criteria. Collection method: clinical testing. Allele origin: germline. Observed: 1 variant allele.
Comment: The p.Ser2327Gly variant in ALMS1 has not been previously reported in individuals with hearing loss or Alstrom syndrome, but has been identified in 0.01% (3/17950) of East Asian chromosomes by gnomAD. Computational prediction tools and conservation analysis suggest that this variant may not impact the protein, though this information is not predictive enough to rule out pathogenicity. In summary, the clinical significance of this variant is uncertain. ACMG/AMP Criteria applied: PM2_Supporting, BP4.

Natera, Inc.
Classification: Uncertain significance for Alstrom syndrome. Last evaluated: 2021-10-19. Review status: no assertion criteria provided. Collection method: clinical testing. Allele origin: germline. Not counted in ClinVar's aggregate classification.